The following is an entry in ClinVar:

NM_032043.3(BRIP1):c.3631G>A (p.Gly1211Ser)

Gene: BRIP1 (BRCA1 interacting DNA helicase 1; minus strand). Cytogenetic location: 17q23.2.
Variant type: single nucleotide variant.
Coding change: c.3631G>A on transcript NM_032043.3 (MANE Select); coding-DNA position 3631, G replaced by A.
Protein change: p.Gly1211Ser; replaces glycine 1211 with serine.
Molecular consequence: missense variant.
Genome position (GRCh38, 1-based): chr17:61,683,415, C>T on the plus strand (G>A on the coding strand, the complement: BRIP1 is on the minus strand). VCF-style: chr17-61683415-C-T. GRCh37 (hg19) VCF-style: chr17-59760776-C-T.
Other names: short protein forms G1211S.
Identifiers: ClinVar variation 574915 (VCV000574915.17), dbSNP rs1567727439, ClinGen allele CA400477949.
Genomic context (GRCh38, chr17:61,683,415, plus strand): 5'-TTTCTATTTCATGAGTTTTTCCCAGTTCCAGTTCATTTATCCAAGTTGTTTTTACATTAC[C>T]ATCAATGTCATCAATTTTACTTTCTTCAATATGCAGAATTCCATTCAACTTTGTATCTAT-3'
Protein context (NP_114432.2, residues 1201-1221): IEESKIDDID[Gly1211Ser]NVKTTWINEL

ClinVar aggregate classification (germline): Conflicting classifications of pathogenicity. Review status: criteria provided, conflicting classifications (1 of 4 stars). 4 submissions from 4 submitters: Uncertain significance (3); Likely benign (1). Last evaluated 2025-11-05.

Conditions:
Hereditary cancer-predisposing syndrome. Also called: Hereditary neoplastic syndrome; Neoplastic Syndromes, Hereditary; Hereditary Cancer Syndrome; Tumor predisposition. Identifiers: Orphanet 140162, MedGen C0027672, MeSH D009386, MONDO:0015356.
Fanconi anemia complementation group J. Also called: BRIP1-Related Fanconi Anemia. Identifiers: Orphanet 84, MedGen C1836860, MONDO:0012187, OMIM 609054.
Familial cancer of breast. Also called: BREAST CANCER, FAMILIAL; hereditary breast carcinoma; Hereditary breast cancer. Identifiers: Orphanet 227535, MedGen C0346153, MONDO:0016419, OMIM 114480. Disease mechanism: loss of function.

Submissions (4):

Labcorp Genetics (formerly Invitae), Labcorp
Classification: Uncertain significance for Familial cancer of breast; Fanconi anemia complementation group J. Last evaluated: 2025-11-05. Review status: criteria provided, single submitter. Criteria: Invitae Variant Classification Sherloc (09022015). Collection method: clinical testing. Allele origin: germline.
Comment: This sequence change replaces glycine, which is neutral and non-polar, with serine, which is neutral and polar, at codon 1211 of the BRIP1 protein (p.Gly1211Ser). This variant is not present in population databases (gnomAD no frequency). This variant has not been reported in the literature in individuals affected with BRIP1-related conditions. ClinVar contains an entry for this variant (Variation ID: 574915). Invitae Evidence Modeling of protein sequence and biophysical properties (such as structural, functional, and spatial information, amino acid conservation, physicochemical variation, residue mobility, and thermodynamic stability) indicates that this missense variant is not expected to disrupt BRIP1 protein function with a negative predictive value of 95%. In summary, the available evidence is currently insufficient to determine the role of this variant in disease. Therefore, it has been classified as a Variant of Uncertain Significance.

Quest Diagnostics Nichols Institute San Juan Capistrano
Classification: Uncertain significance. Last evaluated: 2023-02-09. Review status: criteria provided, single submitter. Criteria: Quest Diagnostics criteria. Collection method: clinical testing. Allele origin: unknown.
Comment: To the best of our knowledge, the variant has not been reported in the published literature. It also has not been reported in large, multi-ethnic general populations. Analysis of this variant using bioinformatics tools for the prediction of the effect of amino acid changes on protein structure and function yielded predictions that this variant is benign. Based on the available information, we are unable to determine the clinical significance of this variant.

Ambry Genetics
Classification: Likely benign for Hereditary cancer-predisposing syndrome. Last evaluated: 2022-09-27. Review status: criteria provided, single submitter. Criteria: Ambry Variant Classification Scheme 2023. Collection method: clinical testing. Allele origin: germline.

Color Diagnostics, LLC DBA Color Health
Classification: Uncertain significance for Hereditary cancer-predisposing syndrome. Last evaluated: 2020-04-07. Review status: criteria provided, single submitter. Criteria: ACMG Guidelines, 2015. Collection method: clinical testing. Allele origin: germline.
Comment: This missense variant replaces glycine with serine at codon 1211 of the BRIP1 protein. Computational prediction suggests that this variant may not impact protein structure and function (internally defined REVEL score threshold <= 0.5, PMID: 27666373). To our knowledge, functional studies have not been reported for this variant. This variant has not been reported in individuals affected with hereditary cancer in the literature. This variant has not been identified in the general population by the Genome Aggregation Database (gnomAD). The available evidence is insufficient to determine the role of this variant in disease conclusively. Therefore, this variant is classified as a Variant of Uncertain Significance.